The following is an entry in ClinVar:

NM_001267550.2(TTN):c.69042T>C (p.Asp23014=)

Genes: TTN-AS1 (TTN antisense RNA 1; plus strand), TTN (titin; minus strand). Cytogenetic location: 2q31.2.
Variant type: single nucleotide variant.
Coding change: c.69042T>C on transcript NM_001267550.2 (MANE Select); coding-DNA position 69042, T replaced by C.
Protein change: p.Asp23014=; no amino-acid change (aspartic acid 23014 retained).
Molecular consequence: synonymous variant.
Genome position (GRCh38, 1-based): chr2:178,577,293, A>G on the plus strand (T>C on the coding strand, the complement: TTN is on the minus strand). VCF-style: chr2-178577293-A-G. GRCh37 (hg19) VCF-style: chr2-179442020-A-G.
Other names: c.64119T>C, p.Asp21373= (NM_001256850.1); c.41847T>C, p.Asp13949= (NM_003319.4); c.61338T>C, p.Asp20446= (NM_133378.4); c.42222T>C, p.Asp14074= (NM_133432.3); c.42423T>C, p.Asp14141= (NM_133437.4).
Identifiers: ClinVar variation 696406 (VCV000696406.14), dbSNP rs750181550, ClinGen allele CA1991000.
Genomic context (GRCh38, chr2:178,577,293, plus strand): 5'-CTTCACATGTTCCACCTTCGTGCCAAAAGGATTGGTAGCAGTGATGGTATATTCACCCGC[A>G]TCTTTTCTAGTGGCATACTTGATAGTAAGCATGGAAGATGTTGGGGTTGAAGTTATCTGA-3'
Protein context (NP_001254479.2, residues 23004-23024): MLTIKYATRK[Asp23014=]AGEYTITATN

ClinVar aggregate classification (germline): Likely benign. Review status: criteria provided, multiple submitters, no conflicts (2 of 4 stars). 3 submissions from 3 submitters: Likely benign (3). Last evaluated 2025-12-03.

Conditions:
TTN-related disorder. Also called: TTN-related disorders; TTN-related condition; TTN-related disease.
Dilated cardiomyopathy 1G (CMD1G). Identifiers: Orphanet 154, MedGen C1858763, MONDO:0011400, OMIM 604145.
Autosomal recessive limb-girdle muscular dystrophy type 2J (LGMDR10). Also called: MUSCULAR DYSTROPHY, LIMB-GIRDLE, AUTOSOMAL RECESSIVE 10; Limb-girdle muscular dystrophy, type 2J. Identifiers: Orphanet 140922, MedGen C1837342, MONDO:0012127, OMIM 608807.
Cardiovascular phenotype. Identifiers: MedGen CN230736.

Allele frequency attached by ClinVar (database versions not stated): ExAC 0.00002; gnomAD 0.00002; gnomAD exomes 0.00002 and 0.00007; TOPMed 0.00002.
gnomAD v4.1: 105 of 1,612,734 alleles (0.0065%); highest among the groups gnomAD compares: Non-Finnish European, 0.0085%; no homozygotes.

Submissions (3):

PreventionGenetics, part of Exact Sciences
Classification: Likely benign for TTN-related condition. Last evaluated: 2025-12-03. Review status: criteria provided, single submitter. Criteria: ACMG Guidelines, 2015. Collection method: clinical testing. Allele origin: germline.
Comment: This variant is classified as likely benign based on ACMG/AMP sequence variant interpretation guidelines (Richards et al. 2015 PMID: 25741868, with internal and published modifications).

Labcorp Genetics (formerly Invitae), Labcorp
Classification: Likely benign for Dilated cardiomyopathy 1G; Autosomal recessive limb-girdle muscular dystrophy type 2J. Last evaluated: 2025-09-03. Review status: criteria provided, single submitter. Criteria: Invitae Variant Classification Sherloc (09022015). Collection method: clinical testing. Allele origin: germline.

Ambry Genetics
Classification: Likely benign for Cardiovascular phenotype. Last evaluated: 2022-03-25. Review status: criteria provided, single submitter. Criteria: Ambry Variant Classification Scheme 2023. Collection method: clinical testing. Allele origin: germline.